The following is an entry in ClinVar:

NM_002354.3(EPCAM):c.710G>A (p.Gly237Glu)

Gene: EPCAM (epithelial cell adhesion molecule; plus strand). Cytogenetic location: 2p21.
Variant type: single nucleotide variant.
Coding change: c.710G>A on transcript NM_002354.3 (MANE Select); coding-DNA position 710, G replaced by A.
Protein change: p.Gly237Glu; replaces glycine 237 with glutamic acid.
Molecular consequence: missense variant.
Genome position (GRCh38, 1-based): chr2:47,379,821, G>A. VCF-style: chr2-47379821-G-A. GRCh37 (hg19) VCF-style: chr2-47606960-G-A.
Other names: short protein forms G237E.
Identifiers: ClinVar variation 5036031 (VCV005036031.1).

ClinVar aggregate classification (germline): Uncertain significance (1 of 4 stars; one submission).

Conditions:
Hereditary cancer-predisposing syndrome. Also called: Hereditary Cancer Syndrome; Neoplastic Syndromes, Hereditary; Tumor predisposition; Hereditary neoplastic syndrome. Identifiers: Orphanet 140162, MedGen C0027672, MeSH D009386, MONDO:0015356.

Submission:

Ambry Genetics
Classification: Uncertain significance for Hereditary cancer-predisposing syndrome. Last evaluated: 2026-08-10. Review status: criteria provided, single submitter. Criteria: Ambry Variant Classification Scheme 2023. Collection method: clinical testing. Allele origin: germline.
Comment: The p.G237E variant (also known as c.710G>A), located in coding exon 7 of the EPCAM gene, results from a G to A substitution at nucleotide position 710. The glycine at codon 237 is replaced by glutamic acid, an amino acid with similar properties. This amino acid position is conserved. In addition, the in silico prediction for this alteration is inconclusive. Based on the available evidence, the clinical significance of this variant remains unclear.